The following is an entry in ClinVar:

ClinVar aggregate classification (germline): Uncertain significance (1 of 4 stars; one submission).

Conditions:
Catecholaminergic polymorphic ventricular tachycardia (CVPT). Also called: Catecholamine-induced polymorphic ventricular tachycardia. Identifiers: Orphanet 3286, MedGen C5574922, MONDO:0017990.

Submission:

All of Us Research Program, National Institutes of Health
Classification: Uncertain significance for Catecholaminergic polymorphic ventricular tachycardia. Last evaluated: 2024-02-05. Review status: criteria provided, single submitter. Criteria: ACMG Guidelines, 2015. Collection method: clinical testing. Allele origin: germline. Inheritance: Autosomal dominant inheritance. Observed: 1 variant allele, 1 heterozygote.
Comment: This variant causes a G to A nucleotide substitution at the +1 position of intron 37 of the RYR2 gene. Splice site prediction tools suggest that this variant may impact RNA splicing. To our knowledge, RNA studies have not been reported for this variant. This variant has not been reported in individuals affected with RYR2-related disorders in the literature. This variant has not been identified in the general population by the Genome Aggregation Database (gnomAD). The available evidence is insufficient to determine the role of this variant in disease conclusively. Therefore, this variant is classified as a Variant of Uncertain Significance.

This study involves interpretation of variants in research participants for the purpose of population health screening. Participant phenotype was not available at the time of variant classification. Additional details can be found in publication PMID: 35346344, PMCID: PMC8962531

NM_001035.3(RYR2):c.5715+1G>A

Gene: RYR2 (ryanodine receptor 2; plus strand). Cytogenetic location: 1q43.
Variant type: single nucleotide variant.
Coding change: c.5715+1G>A on transcript NM_001035.3 (MANE Select); the canonical splice donor site of the intron after coding-DNA position 5715, G replaced by A.
Molecular consequence: splice donor variant.
Genome position (GRCh38, 1-based): chr1:237,614,844, G>A. VCF-style: chr1-237614844-G-A. GRCh37 (hg19) VCF-style: chr1-237778144-G-A.
Identifiers: ClinVar variation 3075440 (VCV003075440.1), dbSNP rs2546798962, ClinGen allele CA345406112.